The following is an entry in ClinVar:

NM_001360.3(DHCR7):c.1139G>A (p.Cys380Tyr)

Gene: DHCR7 (7-dehydrocholesterol reductase; minus strand). Cytogenetic location: 11q13.4.
Variant type: single nucleotide variant.
Coding change: c.1139G>A on transcript NM_001360.3 (MANE Select); coding-DNA position 1139, G replaced by A.
Protein change: p.Cys380Tyr; replaces cysteine 380 with tyrosine.
Molecular consequence: missense variant.
Genome position (GRCh38, 1-based): chr11:71,435,664, C>T on the plus strand (G>A on the coding strand, the complement: DHCR7 is on the minus strand). VCF-style: chr11-71435664-C-T. GRCh37 (hg19) VCF-style: chr11-71146710-C-T.
Other names: c.1139G>A, p.Cys380Tyr (NM_001163817.2); short protein forms C380Y.
Identifiers: ClinVar variation 189069 (VCV000189069.62), dbSNP rs779709646, ClinGen allele CA274343.

ClinVar aggregate classification (germline): Pathogenic/Likely pathogenic. Review status: criteria provided, multiple submitters, no conflicts (2 of 4 stars). 7 submissions from 7 submitters: Pathogenic (5); Likely pathogenic (1). 1 of the submissions does not count toward it. Last evaluated 2026-01-05.

Conditions:
Inborn genetic diseases. Identifiers: MedGen C0950123, MeSH D030342.
Smith-Lemli-Opitz syndrome (SLOS). Also called: LETHAL ACRODYSGENITAL SYNDROME; 7-Dehydrocholesterol reductase deficiency; POLYDACTYLY, SEX REVERSAL, RENAL HYPOPLASIA, AND UNILOBAR LUNG; RSH SYNDROME; RUTLEDGE LETHAL MULTIPLE CONGENITAL ANOMALY SYNDROME. Identifiers: Orphanet 818, MedGen C0175694, MONDO:0010035, OMIM 270400.

Allele frequency attached by ClinVar (database versions not stated): TOPMed below 0.00001; gnomAD 0.00001.

Submissions (7):

Natera, Inc.
Classification: Pathogenic for Smith-Lemli-Opitz syndrome. Last evaluated: 2026-01-05. Review status: criteria provided, single submitter. Criteria: Natera Variant Classification Schema (03/2026). Collection method: clinical testing. Allele origin: germline.
Comment: The c.1139G>A variant in DHCR7 is a missense variant predicted to cause substitution of cysteine to tyrosine at amino acid 380. This variant is rare in the general population with a frequency below the threshold expected for the associated phenotype(s). This variant has been observed in one or more individuals affected with the associated recessive disease, as either homozygous or compound heterozygous with a second variant (PMID: 17497248, 17994283). Computational prediction algorithms indicate this variant is likely to affect gene or protein function. Given the available evidence, this variant is classified as Pathogenic.

Fulgent Genetics
Classification: Pathogenic for Smith-Lemli-Opitz syndrome. Last evaluated: 2024-06-10. Review status: criteria provided, single submitter. Criteria: ACMG Guidelines, 2015. Collection method: clinical testing. Allele origin: germline.

Labcorp Genetics (formerly Invitae), Labcorp
Classification: Pathogenic for Smith-Lemli-Opitz syndrome. Last evaluated: 2023-11-07. Review status: criteria provided, single submitter. Criteria: Invitae Variant Classification Sherloc (09022015). Collection method: clinical testing. Allele origin: germline.
Comment: This sequence change replaces cysteine, which is neutral and slightly polar, with tyrosine, which is neutral and polar, at codon 380 of the DHCR7 protein (p.Cys380Tyr). This variant is present in population databases (rs779709646, gnomAD 0.0009%). This missense change has been observed in individual(s) with Smith–Lemli–Opitz syndrome (PMID: 10677299, 15896653, 25405082). ClinVar contains an entry for this variant (Variation ID: 189069). Advanced modeling of protein sequence and biophysical properties (such as structural, functional, and spatial information, amino acid conservation, physicochemical variation, residue mobility, and thermodynamic stability) performed at Invitae indicates that this missense variant is expected to disrupt DHCR7 protein function with a positive predictive value of 95%. This variant disrupts the p.Cys380 amino acid residue in DHCR7. Other variant(s) that disrupt this residue have been determined to be pathogenic (PMID: 15896653, 17441222). This suggests that this residue is clinically significant, and that variants that disrupt this residue are likely to be disease-causing. For these reasons, this variant has been classified as Pathogenic.

CeGaT Center for Human Genetics Tuebingen
Classification: Pathogenic. Last evaluated: 2020-02-01. Review status: criteria provided, single submitter. Criteria: CeGaT Center For Human Genetics Tuebingen Variant Classification Criteria Version 2. Collection method: clinical testing. Allele origin: germline. Affected: yes. Observed: 3 variant alleles.

Equipe Genetique des Anomalies du Developpement, Université de Bourgogne
Classification: Likely pathogenic for Smith-Lemli-Opitz syndrome. Last evaluated: 2017-10-11. Review status: criteria provided, single submitter. Criteria: ACMG Guidelines, 2015. Collection method: clinical testing. Allele origin: unknown. Affected: yes. Study: Clinvar_gadteam_Clinical_exome_analysis_3.

Ambry Genetics
Classification: Pathogenic for Inborn genetic diseases. Last evaluated: 2016-02-03. Review status: criteria provided, single submitter. Criteria: Ambry Variant Classification Scheme 2023. Collection method: clinical testing. Allele origin: germline.
Comment: The p.C380Y pathogenic mutation (also known as c.1139G>A), located in coding exon 7 of the DHCR7 gene, results from a G to A substitution at nucleotide position 1139. The cysteine at codon 380 is replaced by tyrosine, an amino acid with highly dissimilar properties. This mutation has been observed in homozygous and heterozygous states in multiple individuals with clinical and biochemical features characteristic of Smith-Lemli-Optiz syndrome (SLOS) (Witsch-Baumgartner M, et al. Am. J. Hum. Genet. 2000; 66(2):402-12, Pappu AS, et al. J. Lipid Res. 2006; 47(12):2789-98, Bukelis I, et al. Am J Psychiatry 2007; 164(11):1655-61). In one study using an immunoreactivity assay, protein expression of this alteration was observed to be 40% of wild type levels (Witsch-Baumgartner M, et al. Am. J. Hum. Genet. 2000; 66(2):402-12). In addition, a different mutation located at the same position, p.C380R, has been detected in individuals with SLOS, and was shown to decrease protein expression to 5% of wild type levels (Witsch-Baumgartner M, et al. Am. J. Hum. Genet. 2000; 66(2):402-12, Nowaczyk MJ, et al. Am. J. Med. Genet. 2001; 103(3):223-5). Based on the supporting evidence, p.C380Y is interpreted as a disease-causing mutation.

Counsyl
Classification: Likely pathogenic for Smith-Lemli-Opitz syndrome. Last evaluated: 2014-11-25. Review status: no assertion criteria provided. Collection method: literature only. Allele origin: unknown. Inheritance: Autosomal recessive inheritance. Not counted in ClinVar's aggregate classification.

Literature cited by the submitters: PubMed 17497248 (cited by Natera, Inc. and Counsyl); PubMed 17994283 (cited by Natera, Inc. and Counsyl); PubMed 10677299 (cited by 3 submitters); PubMed 15896653 (cited by Labcorp Genetics (formerly Invitae), Labcorp and Counsyl); PubMed 25405082 (cited by Labcorp Genetics (formerly Invitae), Labcorp and Ambry Genetics); PubMed 17441222 (cited by Labcorp Genetics (formerly Invitae), Labcorp); PubMed 16983147 (cited by Ambry Genetics and Counsyl); PubMed 17974928 (cited by Ambry Genetics); PubMed 12070263 (cited by Counsyl).